The following is an entry in ClinVar:

ClinVar aggregate classification (germline): Uncertain significance (1 of 4 stars; one submission).

Conditions:
Inborn genetic diseases. Identifiers: MedGen C0950123, MeSH D030342.

gnomAD v4.1: 8 of 1,613,464 alleles (0.0005%); highest among the groups gnomAD compares: South Asian, 0.0088%; no homozygotes.

Submission:

Ambry Genetics
Classification: Uncertain significance for Inborn genetic diseases. Last evaluated: 2026-07-02. Review status: criteria provided, single submitter. Criteria: Ambry Variant Classification Scheme 2023. Collection method: clinical testing. Allele origin: germline.
Comment: The p.D178N variant (also known as c.532G>A), located in coding exon 4 of the MECOM gene, results from a G to A substitution at nucleotide position 532. The aspartic acid at codon 178 is replaced by asparagine, an amino acid with highly similar properties. This amino acid position is conserved. In addition, this alteration is predicted to be tolerated by in silico analysis. Based on the available evidence, the clinical significance of this variant remains unclear.

NM_004991.4(MECOM):c.532G>A (p.Asp178Asn)

Gene: MECOM (MDS1 and EVI1 complex locus; minus strand). Cytogenetic location: 3q26.2.
Variant type: single nucleotide variant.
Coding change: c.532G>A on transcript NM_004991.4 (MANE Select); coding-DNA position 532, G replaced by A.
Protein change: p.Asp178Asn; replaces aspartic acid 178 with asparagine.
Molecular consequence: missense variant. On other transcripts: 5 prime UTR variant (12).
Genome position (GRCh38, 1-based): chr3:169,131,510, C>T on the plus strand (G>A on the coding strand, the complement: MECOM is on the minus strand). VCF-style: chr3-169131510-C-T. GRCh37 (hg19) VCF-style: chr3-168849298-C-T.
Other names: c.160G>A, p.Asp54Asn (NM_001105077.4); c.-33G>A (NM_001105078.4, NM_001163999.2, NM_001164000.2 and 9 more transcripts); c.532G>A, p.Asp178Asn (NM_001366466.2, NM_001366473.2); short protein forms D178N, D54N.
Identifiers: ClinVar variation 5024127 (VCV005024127.1).